The following is an entry in ClinVar:

ClinVar aggregate classification (germline): Uncertain significance (1 of 4 stars; one submission).

Submission:

Labcorp Genetics (formerly Invitae), Labcorp
Classification: Uncertain significance. Last evaluated: 2025-09-10. Review status: criteria provided, single submitter. Criteria: Invitae Variant Classification Sherloc (09022015). Collection method: clinical testing. Allele origin: germline.
Comment: This sequence change replaces alanine, which is neutral and non-polar, with glycine, which is neutral and non-polar, at codon 426 of the SIX5 protein (p.Ala426Gly). This variant is not present in population databases (gnomAD no frequency). This variant has not been reported in the literature in individuals affected with SIX5-related conditions. Invitae Evidence Modeling of protein sequence and biophysical properties (such as structural, functional, and spatial information, amino acid conservation, physicochemical variation, residue mobility, and thermodynamic stability) indicates that this missense variant is not expected to disrupt SIX5 protein function with a negative predictive value of 80%. In summary, the available evidence is currently insufficient to determine the role of this variant in disease. Therefore, it has been classified as a Variant of Uncertain Significance.

NM_175875.5(SIX5):c.1277C>G (p.Ala426Gly)

Gene: SIX5 (SIX homeobox 5; minus strand). Cytogenetic location: 19q13.32.
Variant type: single nucleotide variant.
Coding change: c.1277C>G on transcript NM_175875.5 (MANE Select); coding-DNA position 1277, C replaced by G.
Protein change: p.Ala426Gly; replaces alanine 426 with glycine.
Molecular consequence: missense variant.
Genome position (GRCh38, 1-based): chr19:45,766,682, G>C on the plus strand (C>G on the coding strand, the complement: SIX5 is on the minus strand). VCF-style: chr19-45766682-G-C. GRCh37 (hg19) VCF-style: chr19-46269940-G-C.
Other names: short protein forms A426G.
Identifiers: ClinVar variation 4774584 (VCV004774584.1).
Genomic context (GRCh38, chr19:45,766,682, plus strand): 5'-GGCACTGGCCCCGGGGGCAGAGGAAAGGTGGCAGCCGTCGGGGGGCCAGGCACCACTTGG[G>C]CCAGGGGCCCCAGGACCTCCTCTCCAAGGGCTGGTCCCGGAGCAGCCACCTGGGCCCCTT-3'
Protein context (NP_787071.3, residues 416-436): ALGEEVLGPL[Ala426Gly]QVVPGPPTAA